The following is an entry in ClinVar:

NM_007078.3(LDB3):c.1289C>G (p.Thr430Ser)

Gene: LDB3 (LIM domain binding 3; plus strand). Cytogenetic location: 10q23.2.
Variant type: single nucleotide variant.
Coding change: c.1289C>G on transcript NM_007078.3 (MANE Select); coding-DNA position 1289, C replaced by G.
Protein change: p.Thr430Ser; replaces threonine 430 with serine.
Molecular consequence: missense variant.
Genome position (GRCh38, 1-based): chr10:86,716,384, C>G. VCF-style: chr10-86716384-C-G. GRCh37 (hg19) VCF-style: chr10-88476141-C-G.
Other names: c.959C>G, p.Thr320Ser (NM_001080114.2); c.1304C>G, p.Thr435Ser (NM_001171610.2); c.1100C>G, p.Thr367Ser (NM_001368064.1, NM_001368065.1); c.1148C>G, p.Thr383Ser (NM_001368066.1); short protein forms T435S, T320S, T367S, T383S, T430S.
Identifiers: ClinVar variation 1345300 (VCV001345300.7), dbSNP rs746183666, ClinGen allele CA377449622.
Genomic context (GRCh38, chr10:86,716,384, plus strand): 5'-CAGTGCCTGCATCTACCTACAGCCCGTCCCCAGGGGCCAATTACAGTCCCACTCCCTACA[C>G]CCCCTCCCCTGCCCCTGCCTACACCCCCTCCCCTGCCCCTGCCTACACCCCCTCACCTGT-3'
Protein context (NP_009009.1, residues 420-440): PGANYSPTPY[Thr430Ser]PSPAPAYTPS

ClinVar aggregate classification (germline): Uncertain significance. Review status: criteria provided, multiple submitters, no conflicts (2 of 4 stars). 2 submissions from 2 submitters: Uncertain significance (2). Last evaluated 2022-01-05.

Conditions:
Dilated cardiomyopathy 1C (CMD1C). Also called: CARDIOMYOPATHY, DILATED, 1C, WITH OR WITHOUT LEFT VENTRICULAR NONCOMPACTION; Cardiomyopathy, dilated, 1C, with or without LVNC. Identifiers: Orphanet 154, Orphanet 54260, MedGen C1832244, MONDO:0011094, OMIM 601493.
Myofibrillar myopathy 4. Also called: Zaspopathy (type). Identifiers: Orphanet 98912, MedGen C4721886, MONDO:0012277, OMIM 609452.

Submissions (2):

Fulgent Genetics
Classification: Uncertain significance for Dilated cardiomyopathy 1C; Myofibrillar myopathy 4. Last evaluated: 2022-01-05. Review status: criteria provided, single submitter. Criteria: ACMG Guidelines, 2015. Collection method: clinical testing. Allele origin: unknown.

Labcorp Genetics (formerly Invitae), Labcorp
Classification: Uncertain significance for Myofibrillar myopathy 4. Last evaluated: 2021-04-14. Review status: criteria provided, single submitter. Criteria: Invitae Variant Classification Sherloc (09022015). Collection method: clinical testing. Allele origin: germline.
Comment: This sequence change replaces threonine with serine at codon 430 of the LDB3 protein (p.Thr430Ser). The LDB3 gene has multiple clinically relevant transcripts. This variant occurs in alternate transcript NM_007078.3, and corresponds to NM_001080116.1:c.*17010C>G in the primary transcript. This variant is not present in population databases (ExAC no frequency). This variant has not been reported in the literature in individuals with LDB3-related conditions. Experimental studies and prediction algorithms are not available or were not evaluated, and the functional significance of this variant is currently unknown. Algorithms developed to predict the effect of sequence changes on RNA splicing suggest that this variant may create or strengthen a splice site, but this prediction has not been confirmed by published transcriptional studies. In summary, the available evidence is currently insufficient to determine the role of this variant in disease. Therefore, it has been classified as a Variant of Uncertain Significance.